The following is an entry in ClinVar:

NM_000051.4(ATM):c.1740C>T (p.Leu580=)

Gene: ATM (ATM serine/threonine kinase; plus strand). Cytogenetic location: 11q22.3.
Variant type: single nucleotide variant.
Coding change: c.1740C>T on transcript NM_000051.4 (MANE Select); coding-DNA position 1740, C replaced by T.
Protein change: p.Leu580=; no amino-acid change (leucine 580 retained).
Molecular consequence: synonymous variant.
Genome position (GRCh38, 1-based): chr11:108,251,969, C>T. VCF-style: chr11-108251969-C-T. GRCh37 (hg19) VCF-style: chr11-108122696-C-T.
Other names: c.1740C>T, p.Leu580= (NM_001351834.2); c.1740C>T (NM_000051.2).
Identifiers: ClinVar variation 414538 (VCV000414538.18), dbSNP rs1060504269, ClinGen allele CA16613004.

ClinVar aggregate classification (germline): Benign/Likely benign. Review status: criteria provided, multiple submitters, no conflicts (2 of 4 stars). 5 submissions from 5 submitters: Benign (1); Likely benign (4). Last evaluated 2026-01-07.

Conditions:
Familial cancer of breast. Also called: Hereditary breast cancer; hereditary breast carcinoma; BREAST CANCER, FAMILIAL. Identifiers: Orphanet 227535, MedGen C0346153, MONDO:0016419, OMIM 114480. Disease mechanism: loss of function.
ATM-related cancer predisposition. Also called: ATM-related cancer susceptibility. Identifiers: MedGen CN377759, MONDO:0700270.
Hereditary cancer-predisposing syndrome. Also called: Hereditary Cancer Syndrome; Neoplastic Syndromes, Hereditary; Tumor predisposition; Hereditary neoplastic syndrome. Identifiers: Orphanet 140162, MedGen C0027672, MeSH D009386, MONDO:0015356.
Ataxia-telangiectasia syndrome (AT). Also called: Ataxia-telangiectasia, complementation group D; AT, COMPLEMENTATION GROUP C; LOUIS-BAR SYNDROME; Cerebello-oculocutaneous telangiectasia; Immunodeficiency with ataxia telangiectasia; ATAXIA-TELANGIECTASIA, COMPLEMENTATION GROUP A. Identifiers: Orphanet 100, MedGen C0004135, MONDO:0008840, OMIM 208900.

gnomAD v4.1: 1 of 1,613,794 alleles (0.000062%); no homozygotes.

Submissions (5):

Labcorp Genetics (formerly Invitae), Labcorp
Classification: Likely benign for Ataxia-telangiectasia syndrome. Last evaluated: 2026-01-07. Review status: criteria provided, single submitter. Criteria: Invitae Variant Classification Sherloc (09022015). Collection method: clinical testing. Allele origin: germline.

Myriad Genetics, Inc.
Classification: Benign for Familial cancer of breast. Last evaluated: 2024-05-01. Review status: criteria provided, single submitter. Criteria: Myriad Autosomal Dominant, Autosomal Recessive and X-Linked Classification Criteria (2023). Collection method: clinical testing. Allele origin: unknown.
Comment: This variant is considered benign. This variant is a silent/synonymous amino acid change and it is not expected to impact splicing.

Department of Pathology and Laboratory Medicine, Sinai Health System
Classification: Likely benign for ATM-related cancer predisposition. Last evaluated: 2023-01-25. Review status: criteria provided, single submitter. Criteria: ACMG Guidelines, 2015. Collection method: clinical testing. Allele origin: germline. Affected: no.

Color Diagnostics, LLC DBA Color Health
Classification: Likely benign for Hereditary cancer-predisposing syndrome. Last evaluated: 2018-07-03. Review status: criteria provided, single submitter. Criteria: ACMG Guidelines, 2015. Collection method: clinical testing. Allele origin: germline.

Ambry Genetics
Classification: Likely benign for Hereditary cancer-predisposing syndrome. Last evaluated: 2018-02-11. Review status: criteria provided, single submitter. Criteria: Ambry Variant Classification Scheme 2023. Collection method: clinical testing. Allele origin: germline.